The following is an entry in ClinVar:

ClinVar aggregate classification (germline): Uncertain significance (1 of 4 stars; one submission).

Conditions:
X-linked immunodeficiency with magnesium defect, Epstein-Barr virus infection and neoplasia. Identifiers: Orphanet 317476, MedGen C3275445, MONDO:0010455, OMIM 300853.

Submission:

Labcorp Genetics (formerly Invitae), Labcorp
Classification: Uncertain significance for X-linked immunodeficiency with magnesium defect, Epstein-Barr virus infection and neoplasia. Last evaluated: 2025-10-16. Review status: criteria provided, single submitter. Criteria: Invitae Variant Classification Sherloc (09022015). Collection method: clinical testing. Allele origin: germline.
Comment: This sequence change replaces alanine, which is neutral and non-polar, with aspartic acid, which is acidic and polar, at codon 229 of the MAGT1 protein (p.Ala229Asp). This variant is not present in population databases (gnomAD no frequency). This variant has not been reported in the literature in individuals affected with MAGT1-related conditions. Invitae Evidence Modeling of protein sequence and biophysical properties (such as structural, functional, and spatial information, amino acid conservation, physicochemical variation, residue mobility, and thermodynamic stability) indicates that this missense variant is expected to disrupt MAGT1 protein function with a positive predictive value of 80%. In summary, the available evidence is currently insufficient to determine the role of this variant in disease. Therefore, it has been classified as a Variant of Uncertain Significance.

NM_001367916.1(MAGT1):c.590C>A (p.Ala197Asp)

Gene: MAGT1 (magnesium transporter 1; minus strand). Cytogenetic location: Xq21.1.
Variant type: single nucleotide variant.
Coding change: c.590C>A on transcript NM_001367916.1 (MANE Select); coding-DNA position 590, C replaced by A.
Protein change: p.Ala197Asp; replaces alanine 197 with aspartic acid.
Molecular consequence: missense variant.
Genome position (GRCh38, 1-based): chrX:77,856,815, G>T on the plus strand (C>A on the coding strand, the complement: MAGT1 is on the minus strand). VCF-style: chrX-77856815-G-T. GRCh37 (hg19) VCF-style: chrX-77112312-G-T.
Other names: c.686C>A, p.Ala229Asp (NM_032121.5); short protein forms A197D, A229D.
Identifiers: ClinVar variation 4743641 (VCV004743641.1).